The following is an entry in ClinVar:

ClinVar aggregate classification (germline): Pathogenic/Likely pathogenic. Review status: criteria provided, multiple submitters, no conflicts (2 of 4 stars). 2 submissions from 2 submitters: Pathogenic (1); Likely pathogenic (1). Last evaluated 2024-06-07.

Conditions:
Mucopolysaccharidosis, MPS-II (MPS2). Also called: Hunter Syndrome; IDURONATE 2-SULFATASE DEFICIENCY; Mucopolysaccharidosis Type II; IDS deficiency; Sulfoiduronate sulfatase deficiency; SIDS deficiency. Identifiers: Orphanet 580, Orphanet 79388, MedGen C0026705, MONDO:0010674, OMIM 309900.

Submissions (2):

Laboratory of Diagnosis and Therapy of Lysosomal Disorders, University of Padova
Classification: Likely pathogenic for Mucopolysaccharidosis, MPS-II. Last evaluated: 2024-06-07. Review status: criteria provided, single submitter. Criteria: ACMG Guidelines, 2015. Collection method: literature only. Allele origin: germline. Affected: yes. Observed: 6 variant alleles.
Comment: Prevalence of the variant significantly increased in affected individuals compared with controls (PS4_Supporting), Absent from controls (or at low frequency) in gnomAD database (PM2_Moderate), Missense variant in a gene with a low rate of benign missense variation (PP2_Supporting), Multiple lines of computational evidence support a deleterious effect (PP3_Supporting), Patient’s phenotype or family history highly specific for the disease (PP4_Moderate)

Classification method: ACMG Guidelines [PMID:25741868] with modifications

Labcorp Genetics (formerly Invitae), Labcorp
Classification: Pathogenic for Mucopolysaccharidosis, MPS-II. Last evaluated: 2023-08-17. Review status: criteria provided, single submitter. Criteria: Invitae Variant Classification Sherloc (09022015). Collection method: clinical testing. Allele origin: germline.
Comment: For these reasons, this variant has been classified as Pathogenic. This variant disrupts the p.Ser71 amino acid residue in IDS. Other variant(s) that disrupt this residue have been determined to be pathogenic (PMID: 9950361, 16495038). This suggests that this residue is clinically significant, and that variants that disrupt this residue are likely to be disease-causing. Advanced modeling of protein sequence and biophysical properties (such as structural, functional, and spatial information, amino acid conservation, physicochemical variation, residue mobility, and thermodynamic stability) performed at Invitae indicates that this missense variant is expected to disrupt IDS protein function. ClinVar contains an entry for this variant (Variation ID: 1392667). This missense change has been observed in individual(s) with mucopolysaccharidosis type II (PMID: 9660053, 25681085, 30639582). This variant is not present in population databases (gnomAD no frequency). This sequence change replaces serine, which is neutral and polar, with asparagine, which is neutral and polar, at codon 71 of the IDS protein (p.Ser71Asn).

Literature cited by the submitters: PubMed 9660053 (cited by Laboratory of Diagnosis and Therapy of Lysosomal Disorders, University of Padova and Labcorp Genetics (formerly Invitae), Labcorp); PubMed 25681085 (cited by Laboratory of Diagnosis and Therapy of Lysosomal Disorders, University of Padova and Labcorp Genetics (formerly Invitae), Labcorp); PubMed 30639582 (cited by Laboratory of Diagnosis and Therapy of Lysosomal Disorders, University of Padova and Labcorp Genetics (formerly Invitae), Labcorp); PubMed 34670126 (cited by Laboratory of Diagnosis and Therapy of Lysosomal Disorders, University of Padova); PubMed 9950361 (cited by Labcorp Genetics (formerly Invitae), Labcorp); PubMed 16495038 (cited by Labcorp Genetics (formerly Invitae), Labcorp).

NM_000202.8(IDS):c.212G>A (p.Ser71Asn)

Gene: IDS (iduronate 2-sulfatase; minus strand). Cytogenetic location: Xq28.
Variant type: single nucleotide variant.
Coding change: c.212G>A on transcript NM_000202.8 (MANE Select); coding-DNA position 212, G replaced by A.
Protein change: p.Ser71Asn; replaces serine 71 with asparagine.
Molecular consequence: missense variant. On other transcripts: 5 prime UTR variant (1), non-coding transcript variant (1).
Genome position (GRCh38, 1-based): chrX:149,504,185, C>T on the plus strand (G>A on the coding strand, the complement: IDS is on the minus strand). VCF-style: chrX-149504185-C-T. GRCh37 (hg19) VCF-style: chrX-148585715-C-T.
Other names: c.-15G>A (NM_001166550.4); c.212G>A, p.Ser71Asn (NM_006123.5); short protein forms S71N.
Identifiers: ClinVar variation 1392667 (VCV001392667.10), dbSNP rs113993954, ClinGen allele CA337036723.